The following is an entry in ClinVar:

ClinVar aggregate classification (germline): Uncertain significance. Review status: criteria provided, single submitter (1 of 4 stars). 2 submissions from 2 submitters: Uncertain significance (1). 1 of the submissions does not count toward it. Last evaluated 2025-09-05.

Conditions:
Hereditary factor XI deficiency disease. Also called: PLASMA THROMBOPLASTIN ANTECEDENT DEFICIENCY; PTA DEFICIENCY; ROSENTHAL SYNDROME; Congenital factor XI deficiency. Identifiers: Orphanet 329, MedGen C0015523, MeSH D005173, MONDO:0012897, OMIM 612416.

Submissions (2):

Myriad Genetics, Inc.
Classification: Uncertain significance for Hereditary factor XI deficiency disease. Last evaluated: 2025-09-05. Review status: criteria provided, single submitter. Criteria: Myriad Autosomal Dominant, Autosomal Recessive and X-Linked Classification Criteria (2023). Collection method: clinical testing. Allele origin: unknown.
Comment: NM_000128.3(F11):c.1079T>C(L360P) is a missense variant classified as a variant of uncertain significance in the context of factor XI deficiency. L360P has been observed in a case with relevant disease (PMID: 29178608, 18005151). Relevant functional assessments of this variant are not available in the literature. L360P has not been observed in referenced population frequency databases. In summary, there is insufficient evidence to classify NM_000128.3(F11):c.1079T>C(L360P) as pathogenic or benign. Please note: this variant was assessed in the context of healthy population screening.

UniProtKB/Swiss-Prot
No classification provided. Review status: no classification provided. Collection method: not provided. Allele origin: not provided. Not counted in ClinVar's aggregate classification.

Literature cited by the submitters: PubMed 18005151 (cited by Myriad Genetics, Inc.); PubMed 29178608 (cited by Myriad Genetics, Inc.).

NM_000128.4(F11):c.1079T>C (p.Leu360Pro)

Gene: F11 (coagulation factor XI; plus strand). Cytogenetic location: 4q35.2.
Variant type: single nucleotide variant.
Coding change: c.1079T>C on transcript NM_000128.4 (MANE Select); coding-DNA position 1079, T replaced by C.
Protein change: p.Leu360Pro; replaces leucine 360 with proline.
Molecular consequence: missense variant.
Genome position (GRCh38, 1-based): chr4:186,280,524, T>C. VCF-style: chr4-186280524-T-C. GRCh37 (hg19) VCF-style: chr4-187201678-T-C.
Other names: short protein forms L360P.
Identifiers: ClinVar variation 68171 (VCV000068171.2), dbSNP rs281875254, ClinGen allele CA219098.